The following is an entry in ClinVar:

ClinVar aggregate classification (germline): Pathogenic (1 of 4 stars; one submission).

Conditions:
Breast-ovarian cancer, familial, susceptibility to, 2 (BROVCA2). Also called: BRCA2 Hereditary Breast and Ovarian Cancer. Identifiers: Orphanet 145, MedGen C2675520, MONDO:0012933, OMIM 612555. Disease mechanism: loss of function.

Submission:

Myriad Genetics, Inc.
Classification: Pathogenic for Breast-ovarian cancer, familial, susceptibility to, 2. Last evaluated: 2025-04-25. Review status: criteria provided, single submitter. Criteria: Myriad Autosomal Dominant, Autosomal Recessive and X-Linked Classification Criteria (2023). Collection method: clinical testing. Allele origin: unknown.
Comment: This variant is considered pathogenic. This variant creates a frameshift predicted to result in premature protein truncation.

NM_000059.4(BRCA2):c.1630dup (p.Thr544fs)

Gene: BRCA2 (BRCA2 DNA repair associated; plus strand). Cytogenetic location: 13q13.1.
Variant type: Duplication.
Coding change: c.1630dup on transcript NM_000059.4 (MANE Select); coding-DNA position 1630, one base duplicated (A; older notation c.1630dupA).
Protein change: p.Thr544fs; shifts the reading frame from threonine 544.
Molecular consequence: frameshift variant. On other transcripts: non-coding transcript variant (1), intron variant (1).
Genome position (GRCh38, 1-based): chr13:32,333,108, A duplicated. VCF-style (leftmost placement, unchanged base first): chr13-32333107-T-TA. GRCh37 (hg19) VCF-style: chr13-32907244-T-TA.
Other names: c.1630dup, p.Thr544fs (NM_001406719.1, NM_001406720.1, NM_001406721.1 and 1 more transcripts); c.424+2078dup (NM_001406722.1); short protein forms T544fs.
Identifiers: ClinVar variation 4071380 (VCV004071380.1).